The following is an entry in ClinVar:

ClinVar aggregate classification (germline): Uncertain significance (1 of 4 stars; one submission).

Conditions:
Hereditary cancer-predisposing syndrome. Also called: Hereditary Cancer Syndrome; Hereditary neoplastic syndrome; Neoplastic Syndromes, Hereditary; Tumor predisposition. Identifiers: Orphanet 140162, MedGen C0027672, MeSH D009386, MONDO:0015356.

Allele frequency attached by ClinVar (database versions not stated): gnomAD exomes below 0.00001.
gnomAD v4.1: 1 of 1,596,546 alleles (0.000063%); highest among the groups gnomAD compares: East Asian, 0.0022%; no homozygotes.

Submission:

Ambry Genetics
Classification: Uncertain significance for Hereditary cancer-predisposing syndrome. Last evaluated: 2023-12-12. Review status: criteria provided, single submitter. Criteria: Ambry Variant Classification Scheme 2023. Collection method: clinical testing. Allele origin: germline.
Comment: The p.G482A variant (also known as c.1445G>C), located in coding exon 9 of the MEN1 gene, results from a G to C substitution at nucleotide position 1445. The glycine at codon 482 is replaced by alanine, an amino acid with similar properties. This amino acid position is highly conserved in available vertebrate species. In addition, the in silico prediction for this alteration is inconclusive. Since supporting evidence is limited at this time, the clinical significance of this alteration remains unclear.

NM_001370259.2(MEN1):c.1445G>C (p.Gly482Ala)

Gene: MEN1 (menin 1; minus strand). Cytogenetic location: 11q13.1.
Variant type: single nucleotide variant.
Coding change: c.1445G>C on transcript NM_001370259.2 (MANE Select); coding-DNA position 1445, G replaced by C.
Protein change: p.Gly482Ala; replaces glycine 482 with alanine.
Molecular consequence: missense variant.
Genome position (GRCh38, 1-based): chr11:64,804,722, C>G on the plus strand (G>C on the coding strand, the complement: MEN1 is on the minus strand). VCF-style: chr11-64804722-C-G. GRCh37 (hg19) VCF-style: chr11-64572194-C-G.
Other names: c.1571G>C, p.Gly524Ala (NM_001370251.2, NM_001407142.1, NM_001407143.1 and 1 more transcripts); c.1445G>C, p.Gly482Ala (NM_001370261.2, NM_001370260.2, NM_001407146.1 and 2 more transcripts); c.1340G>C, p.Gly447Ala (NM_001370262.2, NM_001370263.2, NM_001407148.1 and 1 more transcripts); c.1460G>C, p.Gly487Ala (NM_000244.4, NM_001407145.1, NM_130800.3 and 4 more transcripts); c.1586G>C, p.Gly529Ala (NM_001407150.1); c.1466G>C, p.Gly489Ala (NM_001407151.1); c.1280G>C, p.Gly427Ala (NM_001407152.1); short protein forms G427A, G482A, G489A, G524A, G447A, G529A, G487A.
Identifiers: ClinVar variation 1772792 (VCV001772792.2), dbSNP rs2136089753, ClinGen allele CA381179291.